The following is an entry in ClinVar:

ClinVar aggregate classification (germline): Uncertain significance. Review status: criteria provided, multiple submitters, no conflicts (2 of 4 stars). 3 submissions from 3 submitters: Uncertain significance (3). Last evaluated 2024-10-01.

Conditions:
Autosomal dominant auditory neuropathy 1. Also called: AUDITORY NEUROPATHY, NONSYNDROMIC DOMINANT. Identifiers: Orphanet 90635, MedGen C1836743, MONDO:0012196, OMIM 609129.

Allele frequency attached by ClinVar (database versions not stated): ExAC 0.00004; gnomAD exomes 0.00004 and 0.00009; TOPMed 0.00005; gnomAD 0.00006.
gnomAD v4.1: 134 of 1,602,028 alleles (0.0084%); highest among the groups gnomAD compares: Non-Finnish European, 0.01%; no homozygotes.

Submissions (3):

Ambry Genetics
Classification: Uncertain significance. Last evaluated: 2024-10-01. Review status: criteria provided, single submitter. Criteria: Ambry Variant Classification Scheme 2023. Collection method: clinical testing. Allele origin: germline.

Revvity Omics, Revvity
Classification: Uncertain significance for Autosomal dominant auditory neuropathy 1. Last evaluated: 2022-06-06. Review status: criteria provided, single submitter. Criteria: ACMG Guidelines, 2015. Collection method: clinical testing. Allele origin: germline.

GeneDx
Classification: Uncertain significance. Last evaluated: 2022-04-01. Review status: criteria provided, single submitter. Criteria: GeneDx Variant Classification Process June 2021. Collection method: clinical testing. Allele origin: germline. Affected: yes.
Comment: In silico analysis supports that this missense variant has a deleterious effect on protein structure/function; Has not been previously published as pathogenic or benign to our knowledge

NM_001042517.2(DIAPH3):c.2121A>C (p.Lys707Asn)

Gene: DIAPH3 (diaphanous related formin 3; minus strand). Cytogenetic location: 13q21.2.
Variant type: single nucleotide variant.
Coding change: c.2121A>C on transcript NM_001042517.2 (MANE Select); coding-DNA position 2121, A replaced by C.
Protein change: p.Lys707Asn; replaces lysine 707 with asparagine.
Molecular consequence: missense variant.
Genome position (GRCh38, 1-based): chr13:59,924,824, T>G on the plus strand (A>C on the coding strand, the complement: DIAPH3 is on the minus strand). VCF-style: chr13-59924824-T-G. GRCh37 (hg19) VCF-style: chr13-60498958-T-G.
Other names: c.2121A>C, p.Lys707Asn (NM_001258369.2); c.1332A>C, p.Lys444Asn (NM_001258370.2, NM_030932.4); c.2088A>C, p.Lys696Asn (NM_001258366.2); c.1983A>C, p.Lys661Asn (NM_001258367.2); c.1911A>C, p.Lys637Asn (NM_001258368.2); short protein forms K444N, K637N, K661N, K696N, K707N.
Identifiers: ClinVar variation 1683845 (VCV001683845.5), dbSNP rs776010269, ClinGen allele CA6996480.